The following is an entry in ClinVar:

ClinVar aggregate classification (germline): Likely benign (1 of 4 stars; one submission).

gnomAD v4.1: 223 of 1,613,424 alleles (0.014%); highest among the groups gnomAD compares: Middle Eastern, 0.05%; 1 homozygote.

Submission:

CeGaT Center for Human Genetics Tuebingen
Classification: Likely benign. Last evaluated: 2025-10-01. Review status: criteria provided, single submitter. Criteria: CeGaT Center For Human Genetics Tuebingen Variant Classification Criteria Version 2. Collection method: clinical testing. Allele origin: germline. Affected: yes. Observed: 1 variant allele.
Comment: HEPHL1: BP4, BP7

NM_001098672.2(HEPHL1):c.1665A>G (p.Val555=)

Gene: HEPHL1 (hephaestin like 1; plus strand). Cytogenetic location: 11q21.
Variant type: single nucleotide variant.
Coding change: c.1665A>G on transcript NM_001098672.2 (MANE Select); coding-DNA position 1665, A replaced by G.
Protein change: p.Val555=; no amino-acid change (valine 555 retained).
Molecular consequence: synonymous variant.
Genome position (GRCh38, 1-based): chr11:94,075,334, A>G. VCF-style: chr11-94075334-A-G. GRCh37 (hg19) VCF-style: chr11-93808500-A-G.
Identifiers: ClinVar variation 4533645 (VCV004533645.6).